The following is an entry in ClinVar:

ClinVar aggregate classification (germline): Uncertain significance (1 of 4 stars; one submission).

Conditions:
Muscular dystrophy-dystroglycanopathy (congenital with brain and eye anomalies), type A2. Also called: MUSCULAR DYSTROPHY-DYSTROGLYCANOPATHY (CONGENITAL WITH BRAIN AND EYE ANOMALIES), TYPE A, 2; WALKER-WARBURG SYNDROME OR MUSCLE-EYE-BRAIN DISEASE, POMT2-RELATED. Identifiers: Orphanet 588, Orphanet 899, MedGen C3150411, MONDO:0013154, OMIM 613150.
Autosomal recessive limb-girdle muscular dystrophy type 2N. Also called: MUSCULAR DYSTROPHY-DYSTROGLYCANOPATHY, LIMB-GIRDLE, POMT2-RELATED; Muscular dystrophy-dystroglycanopathy (limb-girdle), type C, 2. Identifiers: Orphanet 206559, MedGen C3150418, MONDO:0013162, OMIM 613158.
Muscular dystrophy-dystroglycanopathy (congenital with impaired intellectual development), type B, 2. Also called: MUSCULAR DYSTROPHY, CONGENITAL, POMT2-RELATED; Muscular dystrophy-dystroglycanopathy (congenital with intellectual disability), type B2. Identifiers: MedGen C3150416, MONDO:0013160, OMIM 613156.

Allele frequency attached by ClinVar (database versions not stated): gnomAD exomes below 0.00001.

Submission:

Labcorp Genetics (formerly Invitae), Labcorp
Classification: Uncertain significance for Muscular dystrophy-dystroglycanopathy (congenital with impaired intellectual development), type B, 2; Muscular dystrophy-dystroglycanopathy (congenital with brain and eye anomalies), type A2; Autosomal recessive limb-girdle muscular dystrophy type 2N. Last evaluated: 2024-02-23. Review status: criteria provided, single submitter. Criteria: Invitae Variant Classification Sherloc (09022015). Collection method: clinical testing. Allele origin: germline.
Comment: This sequence change replaces proline, which is neutral and non-polar, with leucine, which is neutral and non-polar, at codon 558 of the POMT2 protein (p.Pro558Leu). This variant is not present in population databases (gnomAD no frequency). This variant has not been reported in the literature in individuals affected with POMT2-related conditions. ClinVar contains an entry for this variant (Variation ID: 1387790). An algorithm developed to predict the effect of missense changes on protein structure and function (PolyPhen-2) suggests that this variant is likely to be disruptive. In summary, the available evidence is currently insufficient to determine the role of this variant in disease. Therefore, it has been classified as a Variant of Uncertain Significance.

NM_013382.7(POMT2):c.1673C>T (p.Pro558Leu)

Gene: POMT2 (protein O-mannosyltransferase 2; minus strand). Cytogenetic location: 14q24.3.
Variant type: single nucleotide variant.
Coding change: c.1673C>T on transcript NM_013382.7 (MANE Select); coding-DNA position 1673, C replaced by T.
Protein change: p.Pro558Leu; replaces proline 558 with leucine.
Molecular consequence: missense variant.
Genome position (GRCh38, 1-based): chr14:77,280,444, G>A on the plus strand (C>T on the coding strand, the complement: POMT2 is on the minus strand). VCF-style: chr14-77280444-G-A. GRCh37 (hg19) VCF-style: chr14-77746787-G-A.
Other names: short protein forms P558L.
Identifiers: ClinVar variation 1387790 (VCV001387790.9), dbSNP rs2140169524, ClinGen allele CA390515585.